The following is an entry in ClinVar:

ClinVar aggregate classification (germline): Uncertain significance (1 of 4 stars; one submission).

Conditions:
Hereditary cancer-predisposing syndrome. Also called: Hereditary Cancer Syndrome; Hereditary neoplastic syndrome; Tumor predisposition; Neoplastic Syndromes, Hereditary. Identifiers: Orphanet 140162, MedGen C0027672, MeSH D009386, MONDO:0015356.
Cardiovascular phenotype. Identifiers: MedGen CN230736.

Submission:

Ambry Genetics
Classification: Uncertain significance for Cardiovascular phenotype; Hereditary cancer-predisposing syndrome. Last evaluated: 2022-02-23. Review status: criteria provided, single submitter. Criteria: Ambry Variant Classification Scheme 2023. Collection method: clinical testing. Allele origin: germline.
Comment: The p.Q832H variant (also known as c.2496G>T), located in coding exon 21 of the LZTR1 gene, results from a G to T substitution at nucleotide position 2496. The glutamine at codon 832 is replaced by histidine, an amino acid with highly similar properties. This amino acid position is conserved. In addition, this alteration is predicted to be tolerated by in silico analysis. Since supporting evidence is limited at this time, the clinical significance of this alteration remains unclear.

NM_006767.4(LZTR1):c.2496G>T (p.Gln832His)

Gene: LZTR1 (leucine zipper like post translational regulator 1; plus strand). Cytogenetic location: 22q11.21.
Variant type: single nucleotide variant.
Coding change: c.2496G>T on transcript NM_006767.4 (MANE Select); coding-DNA position 2496, G replaced by T.
Protein change: p.Gln832His; replaces glutamine 832 with histidine.
Molecular consequence: missense variant.
Genome position (GRCh38, 1-based): chr22:20,997,321, G>T. VCF-style: chr22-20997321-G-T. GRCh37 (hg19) VCF-style: chr22-21351610-G-T.
Other names: short protein forms Q832H.
Identifiers: ClinVar variation 1792137 (VCV001792137.2), dbSNP rs1220437076, ClinGen allele CA410781904.